The following is an entry in ClinVar:

NM_000051.4(ATM):c.3777G>A (p.Leu1259=)

Gene: ATM (ATM serine/threonine kinase; plus strand). Cytogenetic location: 11q22.3.
Variant type: single nucleotide variant.
Coding change: c.3777G>A on transcript NM_000051.4 (MANE Select); coding-DNA position 3777, G replaced by A.
Protein change: p.Leu1259=; no amino-acid change (leucine 1259 retained).
Molecular consequence: synonymous variant.
Genome position (GRCh38, 1-based): chr11:108,284,257, G>A. VCF-style: chr11-108284257-G-A. GRCh37 (hg19) VCF-style: chr11-108154984-G-A.
Other names: c.3777G>A, p.Leu1259= (NM_001351834.2).
Identifiers: ClinVar variation 383319 (VCV000383319.15), dbSNP rs780192529, ClinGen allele CA6265354.

ClinVar aggregate classification (germline): Benign/Likely benign. Review status: criteria provided, multiple submitters, no conflicts (2 of 4 stars). 5 submissions from 5 submitters: Benign (1); Likely benign (4). Last evaluated 2025-11-25.

Conditions:
Hereditary cancer-predisposing syndrome. Also called: Hereditary neoplastic syndrome; Tumor predisposition; Neoplastic Syndromes, Hereditary; Hereditary Cancer Syndrome. Identifiers: Orphanet 140162, MedGen C0027672, MeSH D009386, MONDO:0015356.
Familial cancer of breast. Also called: Hereditary breast cancer; BREAST CANCER, FAMILIAL; hereditary breast carcinoma. Identifiers: Orphanet 227535, MedGen C0346153, MONDO:0016419, OMIM 114480. Disease mechanism: loss of function.
Ataxia-telangiectasia syndrome (AT). Also called: LOUIS-BAR SYNDROME; ATAXIA-TELANGIECTASIA, COMPLEMENTATION GROUP A; ATAXIA-TELANGIECTASIA, FRESNO VARIANT; Ataxia-telangiectasia; Ataxia telangiectasia (A-T); Cerebello-oculocutaneous telangiectasia. Identifiers: Orphanet 100, MedGen C0004135, MONDO:0008840, OMIM 208900.

Allele frequency attached by ClinVar (database versions not stated): gnomAD exomes below 0.00001; ExAC 0.00001; TOPMed 0.00001; gnomAD 0.00003 and 0.00004.
gnomAD v4.1: 7 of 1,611,250 alleles (0.00043%); highest among the groups gnomAD compares: African/African-American, 0.0094%; no homozygotes.

Submissions (5):

Labcorp Genetics (formerly Invitae), Labcorp
Classification: Likely benign for Ataxia-telangiectasia syndrome. Last evaluated: 2025-11-25. Review status: criteria provided, single submitter. Criteria: Invitae Variant Classification Sherloc (09022015). Collection method: clinical testing. Allele origin: germline.

Myriad Genetics, Inc.
Classification: Benign for Familial cancer of breast. Last evaluated: 2024-05-15. Review status: criteria provided, single submitter. Criteria: Myriad Autosomal Dominant, Autosomal Recessive and X-Linked Classification Criteria (2023). Collection method: clinical testing. Allele origin: unknown.
Comment: This variant is considered benign. This variant is a silent/synonymous amino acid change and it is not expected to impact splicing.

Color Diagnostics, LLC DBA Color Health
Classification: Likely benign for Hereditary cancer-predisposing syndrome. Last evaluated: 2019-05-13. Review status: criteria provided, single submitter. Criteria: ACMG Guidelines, 2015. Collection method: clinical testing. Allele origin: germline.

Ambry Genetics
Classification: Likely benign for Hereditary cancer-predisposing syndrome. Last evaluated: 2016-04-14. Review status: criteria provided, single submitter. Criteria: Ambry Variant Classification Scheme 2023. Collection method: clinical testing. Allele origin: germline.

GeneDx
Classification: Likely benign. Last evaluated: 2016-01-22. Review status: criteria provided, single submitter. Criteria: GeneDx Variant Classification (06012015). Collection method: clinical testing. Allele origin: germline. Affected: yes.
Comment: This variant is considered likely benign or benign based on one or more of the following criteria: it is a conservative change, it occurs at a poorly conserved position in the protein, it is predicted to be benign by multiple in silico algorithms, and/or has population frequency not consistent with disease.